The following is an entry in ClinVar:

NM_016239.4(MYO15A):c.2598G>C (p.Ser866=)

Gene: MYO15A (myosin XVA; plus strand). Cytogenetic location: 17p11.2.
Variant type: single nucleotide variant.
Coding change: c.2598G>C on transcript NM_016239.4 (MANE Select); coding-DNA position 2598, G replaced by C.
Protein change: p.Ser866=; no amino-acid change (serine 866 retained).
Molecular consequence: synonymous variant.
Genome position (GRCh38, 1-based): chr17:18,121,398, G>C. VCF-style: chr17-18121398-G-C. GRCh37 (hg19) VCF-style: chr17-18024712-G-C.
Identifiers: ClinVar variation 514982 (VCV000514982.4), dbSNP rs1225257498, ClinGen allele CA498429460.
Genomic context (GRCh38, chr17:18,121,398, plus strand): 5'-GCCCTCGCCGCCCCTGGGGCTCTGCCACAGCCCGCGGCGCAGCTCCCTGAATCTGCCCTC[G>C]CGCCTCCCGCACACGTGGCGGCGCCTCAGCGAGCCACCCACTCGGGCTGTGAAGCCGCAA-3'
Protein context (NP_057323.3, residues 856-876): SPRRSSLNLP[Ser866=]RLPHTWRRLS

ClinVar aggregate classification (germline): Likely benign. Review status: criteria provided, multiple submitters, no conflicts (2 of 4 stars). 2 submissions from 2 submitters: Likely benign (2). Last evaluated 2024-03-20.

Allele frequency attached by ClinVar (database versions not stated): gnomAD 0.00001; TOPMed 0.00001; gnomAD exomes 0.00002.
gnomAD v4.1: 6 of 1,535,346 alleles (0.00039%); highest among the groups gnomAD compares: South Asian, 0.0036%; no homozygotes.

Submissions (2):

Labcorp Genetics (formerly Invitae), Labcorp
Classification: Likely benign. Last evaluated: 2024-03-20. Review status: criteria provided, single submitter. Criteria: Invitae Variant Classification Sherloc (09022015). Collection method: clinical testing. Allele origin: germline.

GeneDx
Classification: Likely benign. Last evaluated: 2018-01-26. Review status: criteria provided, single submitter. Criteria: GeneDx Variant Classification (06012015). Collection method: clinical testing. Allele origin: germline. Affected: yes.
Comment: This variant is considered likely benign or benign based on one or more of the following criteria: it is a conservative change, it occurs at a poorly conserved position in the protein, it is predicted to be benign by multiple in silico algorithms, and/or has population frequency not consistent with disease.